The following is an entry in ClinVar:

NM_006348.5(COG5):c.669+5_669+7del

Gene: COG5 (component of oligomeric golgi complex 5; minus strand). Cytogenetic location: 7q22.3.
Variant type: Microsatellite.
Coding change: c.669+5_669+7del on transcript NM_006348.5 (MANE Select); bases 5 to 7 of the intron after coding-DNA position 669, 3 bases deleted (TAA; older notation c.669+5_669+7delTAA).
Molecular consequence: splice donor variant. On other transcripts: intron variant (2).
Genome position (GRCh38, 1-based): chr7:107,412,495-107,412,497, TTA deleted on the plus strand (TAA on the coding strand, the reverse complement: COG5 is on the minus strand); deleting any 3 consecutive bases within chr7:107,412,495-107,412,500 gives the same sequence; the c. name uses the placement nearest the transcript's 3' end. VCF-style (leftmost placement, unchanged base first): chr7-107412494-TTTA-T. GRCh37 (hg19) VCF-style: chr7-107052939-TTTA-T.
Other names: c.539-114151_539-114149del (NM_001379515.1); c.669+5_669+7del (NM_001379511.1, NM_001379512.1, NM_181733.4 and 3 more transcripts); c.235-50387_235-50385del (NM_001379516.1).
Identifiers: ClinVar variation 1360623 (VCV001360623.6), dbSNP rs757035635, ClinGen allele CA4431161.
Genomic context (GRCh38, chr7:107,412,494, plus strand): 5'-TCAAAGTCAAATGTTCACCTGTATTATGACACATTTTTTACATTAAAAAACAGTCTTATT[TTTA>T]TTACCTGAGTCTCCAAACCCTGCTCTAGTAGGCGCTTAGCTTGATTTTCCACTTCAAGTC-3'

ClinVar aggregate classification (germline): Uncertain significance (1 of 4 stars; one submission).

Conditions:
COG5-congenital disorder of glycosylation. Also called: CDG IIi; CONGENITAL DISORDER OF GLYCOSYLATION, TYPE IIi; COG5-CDG. Identifiers: Orphanet 263487, MedGen C3150876, MONDO:0013325, OMIM 613612.

Submission:

Labcorp Genetics (formerly Invitae), Labcorp
Classification: Uncertain significance for COG5-congenital disorder of glycosylation. Last evaluated: 2022-07-26. Review status: criteria provided, single submitter. Criteria: Invitae Variant Classification Sherloc (09022015). Collection method: clinical testing. Allele origin: germline.
Comment: This sequence change falls in intron 7 of the COG5 gene. It does not directly change the encoded amino acid sequence of the COG5 protein. It affects a nucleotide within the consensus splice site. This variant is present in population databases (rs757035635, gnomAD 0.01%). This variant has not been reported in the literature in individuals affected with COG5-related conditions. Variants that disrupt the consensus splice site are a relatively common cause of aberrant splicing (PMID: 17576681, 9536098). Algorithms developed to predict the effect of sequence changes on RNA splicing suggest that this variant is not likely to affect RNA splicing. In summary, the available evidence is currently insufficient to determine the role of this variant in disease. Therefore, it has been classified as a Variant of Uncertain Significance.

Literature cited by the submitters: PubMed 17576681; PubMed 9536098.